The following is an entry in ClinVar:

ClinVar aggregate classification (germline): Conflicting classifications of pathogenicity. Review status: criteria provided, conflicting classifications (1 of 4 stars). 2 submissions from 2 submitters: Uncertain significance (1); Likely benign (1). Last evaluated 2023-11-19.

Conditions:
Inborn genetic diseases. Identifiers: MedGen C0950123, MeSH D030342.

Allele frequency attached by ClinVar (database versions not stated): gnomAD exomes 0.00004; TOPMed 0.00004; gnomAD 0.00005; ExAC 0.00007.
gnomAD v4.1: 197 of 1,602,872 alleles (0.012%); highest among the groups gnomAD compares: Non-Finnish European, 0.016%; no homozygotes.

Submissions (2):

Labcorp Genetics (formerly Invitae), Labcorp
Classification: Uncertain significance. Last evaluated: 2023-11-19. Review status: criteria provided, single submitter. Criteria: Invitae Variant Classification Sherloc (09022015). Collection method: clinical testing. Allele origin: germline.
Comment: This sequence change replaces glutamine, which is neutral and polar, with lysine, which is basic and polar, at codon 1739 of the MYO18B protein (p.Gln1739Lys). This variant is present in population databases (rs776807575, gnomAD 0.009%). This variant has not been reported in the literature in individuals affected with MYO18B-related conditions. ClinVar contains an entry for this variant (Variation ID: 1383919). Algorithms developed to predict the effect of missense changes on protein structure and function output the following: SIFT: "Not Available"; PolyPhen-2: "Benign"; Align-GVGD: "Not Available". The lysine amino acid residue is found in multiple mammalian species, which suggests that this missense change does not adversely affect protein function. In summary, the available evidence is currently insufficient to determine the role of this variant in disease. Therefore, it has been classified as a Variant of Uncertain Significance.

Ambry Genetics
Classification: Likely benign for Inborn genetic diseases. Last evaluated: 2022-02-24. Review status: criteria provided, single submitter. Criteria: Ambry Variant Classification Scheme 2023. Collection method: clinical testing. Allele origin: germline.

NM_032608.7(MYO18B):c.5215C>A (p.Gln1739Lys)

Gene: MYO18B (myosin XVIIIB; plus strand). Cytogenetic location: 22q12.1.
Variant type: single nucleotide variant.
Coding change: c.5215C>A on transcript NM_032608.7 (MANE Select); coding-DNA position 5215, C replaced by A.
Protein change: p.Gln1739Lys; replaces glutamine 1739 with lysine.
Molecular consequence: missense variant.
Genome position (GRCh38, 1-based): chr22:25,908,388, C>A. VCF-style: chr22-25908388-C-A. GRCh37 (hg19) VCF-style: chr22-26304355-C-A.
Other names: c.5218C>A, p.Gln1740Lys (NM_001318245.2); c.5215C>A (NM_032608.5); short protein forms Q1739K, Q1740K.
Identifiers: ClinVar variation 1383919 (VCV001383919.5), dbSNP rs776807575, ClinGen allele CA10161102.